The following is an entry in ClinVar:

NM_170601.5(SIAE):c.1265A>G (p.Asn422Ser)

Gene: SIAE (sialic acid acetylesterase; minus strand). Cytogenetic location: 11q24.2.
Variant type: single nucleotide variant.
Coding change: c.1265A>G on transcript NM_170601.5 (MANE Select); coding-DNA position 1265, A replaced by G.
Protein change: p.Asn422Ser; replaces asparagine 422 with serine.
Molecular consequence: missense variant.
Genome position (GRCh38, 1-based): chr11:124,638,597, T>C on the plus strand (A>G on the coding strand, the complement: SIAE is on the minus strand). VCF-style: chr11-124638597-T-C. GRCh37 (hg19) VCF-style: chr11-124508493-T-C.
Other names: c.1160A>G, p.Asn387Ser (NM_001199922.2); short protein forms N422S, N387S.
Identifiers: ClinVar variation 1522606 (VCV001522606.8), dbSNP rs1456012346, ClinGen allele CA383144206.
Genomic context (GRCh38, chr11:124,638,597, plus strand): 5'-CTCACCTCAAATATCTTGTTGTCCTTTTTCTGCACCTGGATTTGCTGGTAATATGTGAGA[T>C]TGAGCAGCCCCTTGTGAGCCAAGAGTTCTATCTTCTCAGGCAGTGGTCCTTCAAAGGTCA-3'
Protein context (NP_733746.1, residues 412-432): IELLAHKGLL[Asn422Ser]LTYYQQIQVQ

ClinVar aggregate classification (germline): Uncertain significance (1 of 4 stars; one submission).

Allele frequency attached by ClinVar (database versions not stated): TOPMed below 0.00001; gnomAD 0.00001; gnomAD exomes 0.00001.
gnomAD v4.1: 13 of 1,614,086 alleles (0.00081%); highest among the groups gnomAD compares: East Asian, 0.0022%; no homozygotes.

Submission:

Labcorp Genetics (formerly Invitae), Labcorp
Classification: Uncertain significance. Last evaluated: 2024-11-30. Review status: criteria provided, single submitter. Criteria: Invitae Variant Classification Sherloc (09022015). Collection method: clinical testing. Allele origin: germline.
Comment: This sequence change replaces asparagine, which is neutral and polar, with serine, which is neutral and polar, at codon 422 of the SIAE protein (p.Asn422Ser). This variant is present in population databases (no rsID available, gnomAD 0.003%). This variant has not been reported in the literature in individuals affected with SIAE-related conditions. ClinVar contains an entry for this variant (Variation ID: 1522606). An algorithm developed to predict the effect of missense changes on protein structure and function outputs the following: PolyPhen-2: "Benign". The serine amino acid residue is found in multiple mammalian species, which suggests that this missense change does not adversely affect protein function. In summary, the available evidence is currently insufficient to determine the role of this variant in disease. Therefore, it has been classified as a Variant of Uncertain Significance.